The following is an entry in ClinVar:

ClinVar aggregate classification (germline): Uncertain significance. Review status: criteria provided, multiple submitters, no conflicts (2 of 4 stars). 2 submissions from 2 submitters: Uncertain significance (2). Last evaluated 2023-10-20.

Conditions:
Congenital myasthenic syndrome 2A. Also called: Myasthenic syndrome, congenital, 2a, slow-channel. Identifiers: Orphanet 590, MedGen C4225374, MONDO:0014581, OMIM 616313.
Inborn genetic diseases. Identifiers: MedGen C0950123, MeSH D030342.

Allele frequency attached by ClinVar (database versions not stated): gnomAD exomes below 0.00001 and 0.00001; ExAC 0.00001; gnomAD 0.00001; TOPMed 0.00001; 1000 Genomes Project 30x 0.00016; 1000 Genomes Project 0.00020.
gnomAD v4.1: 6 of 1,608,516 alleles (0.00037%); highest among the groups gnomAD compares: East Asian, 0.0089%; no homozygotes.

Submissions (2):

Ambry Genetics
Classification: Uncertain significance for Inborn genetic diseases. Last evaluated: 2023-10-20. Review status: criteria provided, single submitter. Criteria: Ambry Variant Classification Scheme 2023. Collection method: clinical testing. Allele origin: germline.

Labcorp Genetics (formerly Invitae), Labcorp
Classification: Uncertain significance for Congenital myasthenic syndrome 2A. Last evaluated: 2022-02-03. Review status: criteria provided, single submitter. Criteria: Invitae Variant Classification Sherloc (09022015). Collection method: clinical testing. Allele origin: germline.
Comment: The frequency data for this variant in the population databases is considered unreliable, as metrics indicate poor data quality at this position in the gnomAD database. In summary, the available evidence is currently insufficient to determine the role of this variant in disease. Therefore, it has been classified as a Variant of Uncertain Significance. Advanced modeling of protein sequence and biophysical properties (such as structural, functional, and spatial information, amino acid conservation, physicochemical variation, residue mobility, and thermodynamic stability) performed at Invitae indicates that this missense variant is not expected to disrupt CHRNB1 protein function. ClinVar contains an entry for this variant (Variation ID: 1051589). This variant has not been reported in the literature in individuals affected with CHRNB1-related conditions. This sequence change replaces threonine, which is neutral and polar, with isoleucine, which is neutral and non-polar, at codon 2 of the CHRNB1 protein (p.Thr2Ile).

NM_000747.3(CHRNB1):c.5C>T (p.Thr2Ile)

Gene: CHRNB1 (cholinergic receptor nicotinic beta 1 subunit; plus strand). Cytogenetic location: 17p13.1.
Variant type: single nucleotide variant.
Coding change: c.5C>T on transcript NM_000747.3 (MANE Select); coding-DNA position 5, C replaced by T.
Protein change: p.Thr2Ile; replaces threonine 2 with isoleucine.
Molecular consequence: missense variant.
Genome position (GRCh38, 1-based): chr17:7,445,132, C>T. VCF-style: chr17-7445132-C-T. GRCh37 (hg19) VCF-style: chr17-7348451-C-T.
Other names: c.5C>T (NM_000747.2); short protein forms T2I.
Identifiers: ClinVar variation 1051589 (VCV001051589.11), dbSNP rs567015720, ClinGen allele CA8347593.
Genomic context (GRCh38, chr17:7,445,132, plus strand): 5'-TGTGCTGGCGGTCCCAGCGGCTCTCTGAGCGAAGTCACTGAGCGAGCCGCCAGGCTATGA[C>T]CCCAGGGGCTCTGCTGATGCTGCTGGGGGCGCTGGGGGCGCCGCTCGCCCCAGGTAAGTG-3'
Protein context (NP_000738.2, residues 1-12): M[Thr2Ile]PGALLMLLGA